The following is an entry in ClinVar:

NM_032806.6(POMGNT2):c.1186A>G (p.Met396Val)

Gene: POMGNT2 (protein O-linked mannose N-acetylglucosaminyltransferase 2 (beta 1,4-); minus strand). Cytogenetic location: 3p22.1.
Variant type: single nucleotide variant.
Coding change: c.1186A>G on transcript NM_032806.6 (MANE Select); coding-DNA position 1186, A replaced by G.
Protein change: p.Met396Val; replaces methionine 396 with valine.
Molecular consequence: missense variant.
Genome position (GRCh38, 1-based): chr3:43,080,246, T>C on the plus strand (A>G on the coding strand, the complement: POMGNT2 is on the minus strand). VCF-style: chr3-43080246-T-C. GRCh37 (hg19) VCF-style: chr3-43121738-T-C.
Other names: short protein forms M396V.
Identifiers: ClinVar variation 1190447 (VCV001190447.10), dbSNP rs769720860, ClinGen allele CA2339907.

ClinVar aggregate classification (germline): Uncertain significance. Review status: criteria provided, multiple submitters, no conflicts (2 of 4 stars). 2 submissions from 2 submitters: Uncertain significance (2). Last evaluated 2021-08-31.

Conditions:
Muscular dystrophy-dystroglycanopathy (congenital with brain and eye anomalies), type a, 8 (MDDGA8). Also called: WALKER-WARBURG SYNDROME OR MUSCLE-EYE-BRAIN DISEASE, GTDC2-RELATED. Identifiers: Orphanet 899, MedGen C3553813, MONDO:0013904, OMIM 614830.

Allele frequency attached by ClinVar (database versions not stated): ExAC 0.00001; gnomAD 0.00001; gnomAD exomes 0.00001; TOPMed 0.00001.
gnomAD v4.1: 20 of 1,614,062 alleles (0.0012%); highest among the groups gnomAD compares: Non-Finnish European, 0.0016%; no homozygotes.

Submissions (2):

Labcorp Genetics (formerly Invitae), Labcorp
Classification: Uncertain significance for Muscular dystrophy-dystroglycanopathy (congenital with brain and eye anomalies), type a, 8. Last evaluated: 2021-08-31. Review status: criteria provided, single submitter. Criteria: Invitae Variant Classification Sherloc (09022015). Collection method: clinical testing. Allele origin: germline.
Comment: In summary, the available evidence is currently insufficient to determine the role of this variant in disease. Therefore, it has been classified as a Variant of Uncertain Significance. This sequence change replaces methionine with valine at codon 396 of the POMGNT2 protein (p.Met396Val). The methionine residue is moderately conserved and there is a small physicochemical difference between methionine and valine. This variant is present in population databases (rs769720860, ExAC 0.006%). This variant has not been reported in the literature in individuals affected with POMGNT2-related conditions. ClinVar contains an entry for this variant (Variation ID: 1190447). Algorithms developed to predict the effect of missense changes on protein structure and function output the following: SIFT: "Tolerated"; PolyPhen-2: "Benign"; Align-GVGD: "Class C0". The valine amino acid residue is found in multiple mammalian species, which suggests that this missense change does not adversely affect protein function.

GeneDx
Classification: Uncertain significance. Last evaluated: 2019-09-10. Review status: criteria provided, single submitter. Criteria: GeneDx Variant Classification Process June 2021. Collection method: clinical testing. Allele origin: germline. Affected: yes.
Comment: Not observed at a significant frequency in large population cohorts (Lek et al., 2016); In silico analysis, which includes protein predictors and evolutionary conservation, supports that this variant does not alter protein structure/function; Has not been previously published as pathogenic or benign to our knowledge